The following is an entry in ClinVar:

NM_000517.6(HBA2):c.62_63insT (p.Ala22fs)

Genes: HBA2 (hemoglobin subunit alpha 2; plus strand), LOC106804612 (hemoglobin subunit alpha 2 recombination region; plus strand). Cytogenetic location: 16p13.3.
Variant type: Insertion.
Coding change: c.62_63insT on transcript NM_000517.6 (MANE Select); coding-DNA positions 62 to 63, T inserted.
Protein change: p.Ala22fs; shifts the reading frame from alanine 22.
Molecular consequence: frameshift variant.
Genome position: GRCh38 VCF-style: chr16-172974-A-AT. GRCh37 (hg19) VCF-style: chr16-222973-A-AT.
Other names: short protein forms A22fs.
Identifiers: ClinVar variation 4818673 (VCV004818673.1).

ClinVar aggregate classification (germline): Likely pathogenic (1 of 4 stars; one submission).

Conditions:
alpha Thalassemia. Also called: Alpha thalassemia spectrum. Identifiers: Orphanet 846, MedGen C0002312, MONDO:0011399, OMIM 604131.

Submission:

Natera, Inc.
Classification: Likely pathogenic for Alpha thalassemia. Last evaluated: 2025-08-29. Review status: criteria provided, single submitter. Criteria: Natera Variant Classification Schema (03/2026). Collection method: clinical testing. Allele origin: germline.
Comment: The c.62_63insT variant in HBA2 is a frameshift variant predicted to shift the reading frame beginning at codon 22 and leads to a stop codon 36 codons downstream. This variant is expected to result in nonsense mediated decay, truncation, or a dysfunctional protein product. This variant is rare in the general population with a frequency below the threshold expected for the associated phenotype(s). Given the available evidence, this variant is classified as Likely Pathogenic.